The following is an entry in ClinVar:

ClinVar aggregate classification (germline): Uncertain significance (1 of 4 stars; one submission).

Conditions:
Cowden syndrome 6 (CWS6). Identifiers: Orphanet 201, MedGen C3554519, MONDO:0014048, OMIM 615109.

Submission:

Labcorp Genetics (formerly Invitae), Labcorp
Classification: Uncertain significance for Cowden syndrome 6. Last evaluated: 2023-10-26. Review status: criteria provided, single submitter. Criteria: Invitae Variant Classification Sherloc (09022015). Collection method: clinical testing. Allele origin: germline.
Comment: This sequence change replaces valine, which is neutral and non-polar, with leucine, which is neutral and non-polar, at codon 145 of the AKT1 protein (p.Val145Leu). This variant is not present in population databases (gnomAD no frequency). This variant has not been reported in the literature in individuals affected with AKT1-related conditions. An algorithm developed to predict the effect of missense changes on protein structure and function (PolyPhen-2) suggests that this variant is likely to be tolerated. In summary, the available evidence is currently insufficient to determine the role of this variant in disease. Therefore, it has been classified as a Variant of Uncertain Significance.

NM_001382430.1(AKT1):c.433G>C (p.Val145Leu)

Gene: AKT1 (AKT serine/threonine kinase 1; minus strand). Cytogenetic location: 14q32.33.
Variant type: single nucleotide variant.
Coding change: c.433G>C on transcript NM_001382430.1 (MANE Select); coding-DNA position 433, G replaced by C.
Protein change: p.Val145Leu; replaces valine 145 with leucine.
Molecular consequence: missense variant.
Genome position (GRCh38, 1-based): chr14:104,775,654, C>G on the plus strand (G>C on the coding strand, the complement: AKT1 is on the minus strand). VCF-style: chr14-104775654-C-G. GRCh37 (hg19) VCF-style: chr14-105241991-C-G.
Other names: c.433G>C, p.Val145Leu (NM_001014431.2, NM_001014432.2, NM_001382431.1 and 3 more transcripts); short protein forms V145L.
Identifiers: ClinVar variation 2771879 (VCV002771879.3), dbSNP rs1166659979, ClinGen allele CA391219911.